The following is an entry in ClinVar:

ClinVar aggregate classification (germline): Uncertain significance (1 of 4 stars; one submission).

Conditions:
Cardiovascular phenotype. Identifiers: MedGen CN230736.

Submission:

Ambry Genetics
Classification: Uncertain significance for Cardiovascular phenotype. Last evaluated: 2025-01-17. Review status: criteria provided, single submitter. Criteria: Ambry Variant Classification Scheme 2023. Collection method: clinical testing. Allele origin: germline.
Comment: The 5'UTRdel gross deletion spans the 5' untranslated region (UTR) in the LAMP2 gene. The effect of this variant and whether it may impact gene expression is unknown. Based on the available evidence, the clinical significance of this alteration remains unclear.

NM_002294.2(LAMP2):c.-180-632_-80del733

Gene: LAMP2 (lysosome associated membrane protein 2; minus strand). Cytogenetic location: Xq24.
Variant type: Deletion.
Coding change: c.-180-632_-80del733 on transcript NM_002294.2; 632 bases into the intron before 180 bases upstream of the start codon through 80 bases upstream of the start codon, 733 bases deleted.
Genome position (GRCh38, 1-based): chrX:120,469,249-120,469,981, 733 bases deleted. GRCh37 (hg19): chrX:119,603,106-119,603,838.
Identifiers: ClinVar variation 3866392 (VCV003866392.1).